The following is an entry in ClinVar:

NM_001387430.1(SH2B1):c.454C>T (p.Arg152Cys)

Gene: SH2B1 (SH2B adaptor protein 1; plus strand). Cytogenetic location: 16p11.2.
Variant type: single nucleotide variant.
Coding change: c.454C>T on transcript NM_001387430.1 (MANE Select); coding-DNA position 454, C replaced by T.
Protein change: p.Arg152Cys; replaces arginine 152 with cysteine.
Molecular consequence: missense variant. On other transcripts: intron variant (1).
Genome position (GRCh38, 1-based): chr16:28,866,548, C>T. VCF-style: chr16-28866548-C-T. GRCh37 (hg19) VCF-style: chr16-28877869-C-T.
Other names: c.454C>T, p.Arg152Cys (NM_001145795.2, NM_001145796.2, NM_001145797.2 and 4 more transcripts); c.-26-826C>T (NM_001308294.2); short protein forms R152C.
Identifiers: ClinVar variation 2323393 (VCV002323393.3), dbSNP rs202032080, ClinGen allele CA7985932.

ClinVar aggregate classification (germline): Uncertain significance. Review status: criteria provided, single submitter (1 of 4 stars). 2 submissions from 2 submitters: Uncertain significance (1). 1 of the submissions does not count toward it. Last evaluated 2022-11-07.

Conditions:
SH2B1-related disorder. Also called: SH2B1-related condition.

Allele frequency attached by ClinVar (database versions not stated): TOPMed below 0.00001; ExAC 0.00001; gnomAD 0.00002; gnomAD exomes 0.00002.

Submissions (2):

Ambry Genetics
Classification: Uncertain significance. Last evaluated: 2022-11-07. Review status: criteria provided, single submitter. Criteria: Ambry Variant Classification Scheme 2023. Collection method: clinical testing. Allele origin: germline.

PreventionGenetics, part of Exact Sciences
Classification: Uncertain significance for SH2B1-related condition. Last evaluated: 2024-06-11. Review status: no assertion criteria provided. Collection method: clinical testing. Allele origin: germline. Not counted in ClinVar's aggregate classification.
Comment: The SH2B1 c.454C>T variant is predicted to result in the amino acid substitution p.Arg152Cys. To our knowledge, this variant has not been reported in the literature. This variant is reported in 0.0065% of alleles in individuals of South Asian descent in gnomAD. At this time, the clinical significance of this variant is uncertain due to the absence of conclusive functional and genetic evidence.